The following is an entry in ClinVar:

NM_024301.5(FKRP):c.469G>C (p.Ala157Pro)

Gene: FKRP (fukutin related protein; plus strand). Cytogenetic location: 19q13.32.
Variant type: single nucleotide variant.
Coding change: c.469G>C on transcript NM_024301.5 (MANE Select); coding-DNA position 469, G replaced by C.
Protein change: p.Ala157Pro; replaces alanine 157 with proline.
Molecular consequence: missense variant.
Genome position (GRCh38, 1-based): chr19:46,755,919, G>C. VCF-style: chr19-46755919-G-C. GRCh37 (hg19) VCF-style: chr19-47259176-G-C.
Other names: c.469G>C, p.Ala157Pro (NM_001039885.3); short protein forms A157P.
Identifiers: ClinVar variation 2577157 (VCV002577157.4), dbSNP rs727502842, ClinGen allele CA295341.

ClinVar aggregate classification (germline): Pathogenic/Likely pathogenic. Review status: criteria provided, multiple submitters, no conflicts (2 of 4 stars). 3 submissions from 3 submitters: Pathogenic (1); Likely pathogenic (2). Last evaluated 2025-12-29.

Conditions:
Autosomal recessive limb-girdle muscular dystrophy. Identifiers: Orphanet 102015, MedGen C2931907, MONDO:0015152.
Walker-Warburg congenital muscular dystrophy. Also called: Muscular dystrophy-dystroglycanopathy, type A; Walker-Warburg syndrome. Identifiers: Orphanet 899, MedGen C0265221, MONDO:0000171.
Muscular dystrophy-dystroglycanopathy (congenital with brain and eye anomalies), type A5. Also called: MUSCULAR DYSTROPHY-DYSTROGLYCANOPATHY (CONGENITAL WITH BRAIN AND EYE ANOMALIES), TYPE A, 5; WALKER-WARBURG SYNDROME OR MUSCLE-EYE-BRAIN DISEASE, FKRP-RELATED. Identifiers: Orphanet 588, Orphanet 899, MedGen C3150413, MONDO:0013157, OMIM 613153.

Allele frequency attached by ClinVar (database versions not stated): gnomAD exomes 0.00001.

Submissions (3):

Labcorp Genetics (formerly Invitae), Labcorp
Classification: Likely pathogenic for Walker-Warburg congenital muscular dystrophy. Last evaluated: 2025-12-29. Review status: criteria provided, single submitter. Criteria: Invitae Variant Classification Sherloc (09022015). Collection method: clinical testing. Allele origin: germline.
Comment: This sequence change replaces alanine, which is neutral and non-polar, with proline, which is neutral and non-polar, at codon 157 of the FKRP protein (p.Ala157Pro). This variant is not present in population databases (gnomAD no frequency). This missense change has been observed in individual(s) with dystroglycanopathy and/or limb girdle muscular dystrophy (PMID: 16634037, 21970816, 29101272; internal data). In at least one individual the data is consistent with being in trans (on the opposite chromosome) from a pathogenic variant. ClinVar contains an entry for this variant (Variation ID: 2577157). Invitae Evidence Modeling of protein sequence and biophysical properties (such as structural, functional, and spatial information, amino acid conservation, physicochemical variation, residue mobility, and thermodynamic stability) has been performed for this missense variant. However, the output from this modeling did not meet the statistical confidence thresholds required to predict the impact of this variant on FKRP protein function. In summary, the currently available evidence indicates that the variant is pathogenic, but additional data are needed to prove that conclusively. Therefore, this variant has been classified as Likely Pathogenic.

Baylor Genetics
Classification: Pathogenic for Muscular dystrophy-dystroglycanopathy (congenital with brain and eye anomalies), type A5. Last evaluated: 2023-08-31. Review status: criteria provided, single submitter. Criteria: ACMG Guidelines, 2015. Collection method: clinical testing. Allele origin: unknown.

Women's Health and Genetics/Laboratory Corporation of America, LabCorp
Classification: Likely pathogenic for Autosomal recessive limb-girdle muscular dystrophy. Last evaluated: 2023-07-12. Review status: criteria provided, single submitter. Criteria: LabCorp Variant Classification Summary - May 2015. Collection method: clinical testing. Allele origin: germline.
Comment: Variant summary: FKRP c.469G>C (p.Ala157Pro) results in a non-conservative amino acid change in the encoded protein sequence. Five of five in-silico tools predict a damaging effect of the variant on protein function. The variant was absent in 123906 control chromosomes (gnomAD). c.469G>C has been reported in the literature in individuals affected with Limb-Girdle Muscular Dystrophy or dystroglycanopathy (Sveen_2006, Sframeli_2017, Carlson_2017), including patients reported as compound heterozygous with a pathogenic variant. These data indicate that the variant is likely to be associated with disease. To our knowledge, no experimental evidence demonstrating an impact on protein function has been reported. The following publications have been ascertained in the context of this evaluation (PMID: 16634037, 21970816, 28688748, 29101272). No submitters have cited clinical-significance assessments for this variant to ClinVar after 2014. Based on the evidence outlined above, the variant was classified as likely pathogenic.

Literature cited by the submitters: PubMed 16634037 (cited by Labcorp Genetics (formerly Invitae), Labcorp and Women's Health and Genetics/Laboratory Corporation of America, LabCorp); PubMed 21970816 (cited by Labcorp Genetics (formerly Invitae), Labcorp and Women's Health and Genetics/Laboratory Corporation of America, LabCorp); PubMed 29101272 (cited by Labcorp Genetics (formerly Invitae), Labcorp and Women's Health and Genetics/Laboratory Corporation of America, LabCorp); PubMed 28688748 (cited by Women's Health and Genetics/Laboratory Corporation of America, LabCorp).